The following is an entry in ClinVar:

NM_015404.4(WHRN):c.2346G>A (p.Ser782=)

Gene: WHRN (whirlin; minus strand). Cytogenetic location: 9q32.
Variant type: single nucleotide variant.
Coding change: c.2346G>A on transcript NM_015404.4 (MANE Select); coding-DNA position 2346, G replaced by A.
Protein change: p.Ser782=; no amino-acid change (serine 782 retained).
Molecular consequence: synonymous variant.
Genome position (GRCh38, 1-based): chr9:114,403,968, C>T on the plus strand (G>A on the coding strand, the complement: WHRN is on the minus strand). VCF-style: chr9-114403968-C-T. GRCh37 (hg19) VCF-style: chr9-117166248-C-T.
Other names: c.1197G>A, p.Ser399= (NM_001083885.3); c.2343G>A, p.Ser781= (NM_001173425.2); c.1293G>A, p.Ser431= (NM_001346890.1); c.2346G>A (NM_015404.3).
Identifiers: ClinVar variation 1089920 (VCV001089920.12), dbSNP rs145815879, ClinGen allele CA5205662.

ClinVar aggregate classification (germline): Likely benign. Review status: criteria provided, multiple submitters, no conflicts (2 of 4 stars). 3 submissions from 3 submitters: Likely benign (3). Last evaluated 2026-08-21.

Conditions:
WHRN-related disorder. Also called: WHRN-related condition.

Allele frequency attached by ClinVar (database versions not stated): 1000 Genomes Project 0.00020; 1000 Genomes Project 30x 0.00031.
gnomAD v4.1: 32 of 1,611,780 alleles (0.002%); highest among the groups gnomAD compares: Admixed American, 0.042%; no homozygotes.

Submissions (3):

PreventionGenetics, part of Exact Sciences
Classification: Likely benign for WHRN-related condition. Last evaluated: 2026-08-21. Review status: criteria provided, single submitter. Criteria: ACMG Guidelines, 2015. Collection method: clinical testing. Allele origin: germline.
Comment: This variant is classified as likely benign based on ACMG/AMP sequence variant interpretation guidelines (Richards et al. 2015 PMID: 25741868, with internal and published modifications).

Labcorp Genetics (formerly Invitae), Labcorp
Classification: Likely benign. Last evaluated: 2025-02-17. Review status: criteria provided, single submitter. Criteria: Invitae Variant Classification Sherloc (09022015). Collection method: clinical testing. Allele origin: germline.

Blueprint Genetics
Classification: Likely benign. Last evaluated: 2023-03-09. Review status: criteria provided, single submitter. Criteria: ACMG Guidelines, 2015. Collection method: clinical testing. Allele origin: germline.